The following is an entry in ClinVar:

ClinVar aggregate classification (germline): Uncertain significance (1 of 4 stars; one submission).

Conditions:
Regional enteritis. Also called: Enteritis, Granulomatous. Identifiers: MedGen C0678202, MeSH D003424.
Blau syndrome (BLAUS). Also called: GRANULOMATOSIS, FAMILIAL JUVENILE SYSTEMIC; GRANULOMATOSIS, FAMILIAL, BLAU TYPE; GRANULOMATOUS INFLAMMATORY ARTHRITIS, DERMATITIS, AND UVEITIS, FAMILIAL; JABS SYNDROME; ARTHROCUTANEOUVEAL GRANULOMATOSIS. Identifiers: Orphanet 90340, MedGen C5201146, MONDO:0008523, OMIM 186580.

Submission:

Labcorp Genetics (formerly Invitae), Labcorp
Classification: Uncertain significance for Regional enteritis; Blau syndrome. Last evaluated: 2021-01-22. Review status: criteria provided, single submitter. Criteria: Invitae Variant Classification Sherloc (09022015). Collection method: clinical testing. Allele origin: germline.
Comment: In summary, the available evidence is currently insufficient to determine the role of this variant in disease. Therefore, it has been classified as a Variant of Uncertain Significance. Algorithms developed to predict the effect of missense changes on protein structure and function are either unavailable or do not agree on the potential impact of this missense change (SIFT: "Deleterious"; PolyPhen-2: "Probably Damaging"; Align-GVGD: "Class C0"). This variant has not been reported in the literature in individuals with NOD2-related conditions. This variant is not present in population databases (ExAC no frequency). This sequence change replaces leucine with phenylalanine at codon 602 of the NOD2 protein (p.Leu602Phe). The leucine residue is highly conserved and there is a small physicochemical difference between leucine and phenylalanine.

NM_001370466.1(NOD2):c.1723C>T (p.Leu575Phe)

Gene: NOD2 (nucleotide binding oligomerization domain containing 2; plus strand). Cytogenetic location: 16q12.1.
Variant type: single nucleotide variant.
Coding change: c.1723C>T on transcript NM_001370466.1 (MANE Select); coding-DNA position 1723, C replaced by T.
Protein change: p.Leu575Phe; replaces leucine 575 with phenylalanine.
Molecular consequence: missense variant. On other transcripts: non-coding transcript variant (1).
Genome position (GRCh38, 1-based): chr16:50,711,715, C>T. VCF-style: chr16-50711715-C-T. GRCh37 (hg19) VCF-style: chr16-50745626-C-T.
Other names: c.1723C>T, p.Leu575Phe (NM_001293557.2); c.1804C>T, p.Leu602Phe (NM_022162.3); short protein forms L575F, L602F.
Identifiers: ClinVar variation 1038456 (VCV001038456.8), dbSNP rs1964520847, ClinGen allele CA395869717.
Genomic context (GRCh38, chr16:50,711,715, plus strand): 5'-CTTGGCTTCCTGGTGCGTGCCAAAGGTGTCGTGCCAGGGAGTACGGCGCCCCTGGAATTC[C>T]TTCACATCACTTTCCAGTGCTTCTTTGCCGCGTTCTACCTGGCACTCAGTGCTGATGTGC-3'
Protein context (NP_001357395.1, residues 565-585): VPGSTAPLEF[Leu575Phe]HITFQCFFAA